The following is an entry in ClinVar:

ClinVar aggregate classification (germline): Pathogenic/Likely pathogenic. Review status: criteria provided, multiple submitters, no conflicts (2 of 4 stars). 2 submissions from 2 submitters: Pathogenic (1); Likely pathogenic (1). Last evaluated 2026-01-09.

Conditions:
3MC syndrome 1. Also called: CRANIOSYNOSTOSIS WITH LID ANOMALIES; OCULOPALATOSKELETAL SYNDROME; MICHELS SYNDROME. Identifiers: Orphanet 293843, MedGen C0796059, MONDO:0009770, OMIM 257920.
MASP1-related disorders.

gnomAD v4.1: 18 of 1,613,666 alleles (0.0011%); highest among the groups gnomAD compares: Non-Finnish European, 0.00017%; no homozygotes.

Submissions (2):

Labcorp Genetics (formerly Invitae), Labcorp
Classification: Pathogenic for 3MC syndrome 1. Last evaluated: 2026-01-09. Review status: criteria provided, single submitter. Criteria: Invitae Variant Classification Sherloc (09022015). Collection method: clinical testing. Allele origin: germline.
Comment: This sequence change creates a premature translational stop signal (p.Lys337*) in the MASP1 gene. It is expected to result in an absent or disrupted protein product. Loss-of-function variants in MASP1 are known to be pathogenic (PMID: 21035106, 26789649). This variant is present in population databases (rs760749419, gnomAD 0.08%). This variant has not been reported in the literature in individuals affected with MASP1-related conditions. Algorithms developed to predict the effect of sequence changes on RNA splicing suggest that this variant may disrupt the consensus splice site. For these reasons, this variant has been classified as Pathogenic.

Blueprint Genetics
Classification: Likely pathogenic for MASP1-related disorders. Last evaluated: 2022-07-13. Review status: criteria provided, single submitter. Criteria: ACMG Guidelines, 2015. Collection method: clinical testing. Allele origin: germline. Affected: yes. Observed: 1 variant allele.

Literature cited by the submitters: PubMed 21035106 (cited by Labcorp Genetics (formerly Invitae), Labcorp); PubMed 26789649 (cited by Labcorp Genetics (formerly Invitae), Labcorp).

NM_139125.4(MASP1):c.1009A>T (p.Lys337Ter)

Gene: MASP1 (MBL associated serine protease 1; minus strand). Cytogenetic location: 3q27.3.
Variant type: single nucleotide variant.
Coding change: c.1009A>T on transcript NM_139125.4 (MANE Select); coding-DNA position 1009, A replaced by T.
Protein change: p.Lys337Ter; replaces lysine 337 with a stop codon.
Molecular consequence: nonsense. On other transcripts: non-coding transcript variant (1).
Genome position (GRCh38, 1-based): chr3:187,251,636, T>A on the plus strand (A>T on the coding strand, the complement: MASP1 is on the minus strand). VCF-style: chr3-187251636-T-A. GRCh37 (hg19) VCF-style: chr3-186969424-T-A.
Other names: c.1009A>T, p.Lys337Ter (NM_001031849.3, NM_001879.6); short protein forms K337*.
Identifiers: ClinVar variation 4804007 (VCV004804007.2).